The following is an entry in ClinVar:

NM_000390.4(CHM):c.46_49dup (p.Gly17fs)

Gene: CHM (CHM Rab escort protein; minus strand). Cytogenetic location: Xq21.2.
Variant type: Duplication.
Coding change: c.46_49dup on transcript NM_000390.4 (MANE Select); coding-DNA positions 46 to 49, 4 bases duplicated (ACGG; older notation c.46_49dupACGG).
Protein change: p.Gly17fs; shifts the reading frame from glycine 17.
Molecular consequence: frameshift variant.
Genome position (GRCh38, 1-based): chrX:86,047,484-86,047,487, CCGT duplicated on the plus strand (ACGG on the coding strand, the reverse complement: CHM is on the minus strand); duplicating any 4 consecutive bases within chrX:86,047,484-86,047,489 gives the same sequence; the c. name uses the placement nearest the transcript's 3' end. VCF-style (leftmost placement, unchanged base first): chrX-86047483-C-CCCGT. GRCh37 (hg19) VCF-style: chrX-85302487-C-CCCGT.
Other names: c.46_49dup, p.Gly17fs (NM_001145414.4); short protein forms G17fs.
Identifiers: ClinVar variation 2030465 (VCV002030465.4), dbSNP rs2521064591, ClinGen allele CA2580102043.
Genomic context (GRCh38, chrX:86,047,483, plus strand): 5'-AAAAAACAGAAACAAGACAGTCTTCCTAAACTTTGTCCAGGAAGCACCAGGCTACACATA[C>CCCGT]CCGTCCCTATTACGATCACATCAAACTCCGAAGGGAGAGTATCCGCCATCTTGACGGGAA-3'

ClinVar aggregate classification (germline): Pathogenic (1 of 4 stars; one submission).

Submission:

Labcorp Genetics (formerly Invitae), Labcorp
Classification: Pathogenic. Last evaluated: 2022-09-14. Review status: criteria provided, single submitter. Criteria: Invitae Variant Classification Sherloc (09022015). Collection method: clinical testing. Allele origin: germline.
Comment: This sequence change creates a premature translational stop signal (p.Gly17Aspfs*5) in the CHM gene. It is expected to result in an absent or disrupted protein product. Loss-of-function variants in CHM are known to be pathogenic (PMID: 9067750, 23811034). This variant is not present in population databases (gnomAD no frequency). This variant has not been reported in the literature in individuals affected with CHM-related conditions. Algorithms developed to predict the effect of sequence changes on RNA splicing suggest that this variant may disrupt the consensus splice site. For these reasons, this variant has been classified as Pathogenic.

Literature cited by the submitters: PubMed 9067750; PubMed 23811034.